The following is an entry in ClinVar:

NM_001297.5(CNGB1):c.2634+8G>A

Gene: CNGB1 (cyclic nucleotide gated channel subunit beta 1; minus strand). Cytogenetic location: 16q21.
Variant type: single nucleotide variant.
Coding change: c.2634+8G>A on transcript NM_001297.5 (MANE Select); 8 bases into the intron after coding-DNA position 2634, G replaced by A.
Molecular consequence: intron variant.
Genome position (GRCh38, 1-based): chr16:57,904,726, C>T on the plus strand (G>A on the coding strand, the complement: CNGB1 is on the minus strand). VCF-style: chr16-57904726-C-T. GRCh37 (hg19) VCF-style: chr16-57938630-C-T.
Other names: c.2634+8G>A (NM_001297.4); c.2616+8G>A (NM_001286130.2).
Identifiers: ClinVar variation 1134054 (VCV001134054.15), dbSNP rs369567117, ClinGen allele CA8082904.

ClinVar aggregate classification (germline): Likely benign. Review status: criteria provided, multiple submitters, no conflicts (2 of 4 stars). 5 submissions from 5 submitters: Likely benign (2). 3 of the submissions do not count toward it. Last evaluated 2025-12-19.

Conditions:
CNGB1-related disorder. Also called: CNGB1-related condition.

Allele frequency attached by ClinVar (database versions not stated): TOPMed 0.00026; ESP Exome Variant Server 0.00033.
gnomAD v4.1: 542 of 1,613,854 alleles (0.034%); highest among the groups gnomAD compares: Non-Finnish European, 0.044%; no homozygotes.

Submissions (5):

Labcorp Genetics (formerly Invitae), Labcorp
Classification: Likely benign. Last evaluated: 2025-12-19. Review status: criteria provided, single submitter. Criteria: Invitae Variant Classification Sherloc (09022015). Collection method: clinical testing. Allele origin: germline.

Blueprint Genetics
Classification: Likely benign. Last evaluated: 2024-09-18. Review status: criteria provided, single submitter. Criteria: ACMG Guidelines, 2015. Collection method: clinical testing. Allele origin: germline.

PreventionGenetics, part of Exact Sciences
Classification: Likely benign for CNGB1-related condition. Last evaluated: 2019-08-26. Review status: no assertion criteria provided. Collection method: clinical testing. Allele origin: germline. Not counted in ClinVar's aggregate classification.
Comment: This variant is classified as likely benign based on ACMG/AMP sequence variant interpretation guidelines (Richards et al. 2015 PMID: 25741868, with internal and published modifications).

Clinical Genetics DNA and cytogenetics Diagnostics Lab, Erasmus MC, Erasmus Medical Center
Classification: Likely benign. Review status: no assertion criteria provided. Collection method: clinical testing. Allele origin: germline. Affected: yes. Study: VKGL Data-share Consensus. Not counted in ClinVar's aggregate classification.

Clinical Genetics, Academic Medical Center
Classification: Benign. Review status: no assertion criteria provided. Collection method: clinical testing. Allele origin: germline. Affected: yes. Study: VKGL Data-share Consensus. Not counted in ClinVar's aggregate classification.